The following is an entry in ClinVar:

ClinVar aggregate classification (germline): Pathogenic/Likely pathogenic. Review status: criteria provided, multiple submitters, no conflicts (2 of 4 stars). 6 submissions from 6 submitters: Pathogenic (1); Likely pathogenic (5). Last evaluated 2025-10-09.

Conditions:
Hypertrophic cardiomyopathy. Also called: HYPERTROPHIC MYOCARDIOPATHY. Identifiers: Orphanet 217569, MedGen C0007194, MeSH D002312, MONDO:0005045, HP:0001639.
Cardiovascular phenotype. Identifiers: MedGen CN230736.
MYH7-related disorder. Also called: MYH7-related condition; MYH7-related disease; MYH7-related disorders.

Submissions (6):

Labcorp Genetics (formerly Invitae), Labcorp
Classification: Pathogenic for Hypertrophic cardiomyopathy. Last evaluated: 2025-10-09. Review status: criteria provided, single submitter. Criteria: Invitae Variant Classification Sherloc (09022015). Collection method: clinical testing. Allele origin: germline.
Comment: This sequence change replaces alanine, which is neutral and non-polar, with valine, which is neutral and non-polar, at codon 199 of the MYH7 protein (p.Ala199Val). This variant is not present in population databases (gnomAD no frequency). This missense change has been observed in individuals with hypertrophic cardiomyopathy (PMID: 27532257; internal data). ClinVar contains an entry for this variant (Variation ID: 177692). Invitae Evidence Modeling of protein sequence and biophysical properties (such as structural, functional, and spatial information, amino acid conservation, physicochemical variation, residue mobility, and thermodynamic stability) indicates that this missense variant is expected to disrupt MYH7 protein function with a positive predictive value of 95%. This variant is found within a region of MYH7 between codons 181 and 937 that contains the majority of the myosin head domain. Missense variants in this region have been shown to be significantly overrepresented in individuals with hypertrophic cardiomyopathy (PMID: 27532257). For these reasons, this variant has been classified as Pathogenic.

Ambry Genetics
Classification: Likely pathogenic for Cardiovascular phenotype. Last evaluated: 2024-04-23. Review status: criteria provided, single submitter. Criteria: Ambry Variant Classification Scheme 2023. Collection method: clinical testing. Allele origin: germline.
Comment: The p.A199V variant (also known as c.596C>T), located in coding exon 5 of the MYH7 gene, results from a C to T substitution at nucleotide position 596. The alanine at codon 199 is replaced by valine, an amino acid with similar properties. This alteration is located in the myosin head domain, which contains a statistically significant clustering of pathogenic missense variants (Homburger JR et al. Proc Natl Acad Sci U S A, 2016 06;113:6701-6; Walsh R et al. Genet Med, 2017 02;19:192-203; Ambry internal data). This alteration has been reported in individuals with hypertrophic cardiomyopathy (HCM) (Adler A et al. Circ Arrhythm Electrophysiol, 2016 Jan;9:e003440; Walsh R et al. Genet Med, 2017 Feb;19:192-203; Ho CY et al. Circulation, 2018 Oct;138:1387-1398; Sepp R et al. Diagnostics (Basel), 2022 May;12:[ePub ahead of print]). This amino acid position is highly conserved in available vertebrate species. In addition, this alteration is predicted to be deleterious by in silico analysis. This variant is considered to be rare based on population cohorts in the Genome Aggregation Database (gnomAD). Based on the majority of available evidence to date, this variant is likely to be pathogenic.

Blueprint Genetics
Classification: Likely pathogenic for MYH7-related disorders. Last evaluated: 2023-02-15. Review status: criteria provided, single submitter. Criteria: ACMG Guidelines, 2015. Collection method: clinical testing. Allele origin: germline. Affected: yes. Observed: 1 variant allele.

Laboratory for Molecular Medicine, Mass General Brigham Personalized Medicine
Classification: Likely pathogenic for Hypertrophic cardiomyopathy. Last evaluated: 2020-12-18. Review status: criteria provided, single submitter. Criteria: LMM Criteria. Collection method: clinical testing. Allele origin: germline. Inheritance: Autosomal dominant inheritance. Observed: 5 variant alleles.
Comment: The p.Ala199Val variant in MYH7 has been identified by our laboratory in at least 3 individuals with HCM and segregated with disease in several affected relatives (including 3 obligate carriers) from 1 family (Pan 2012, Alfares PMID: 25611685, Walsh 2017 PMID: 27532257, LMM unpublished data and personal communication). This variant has also been reported by other clinical laboratories in ClinVar (Variation ID: 177693) was absent from large population studies. Computational prediction tools and conservation analyses are consistent with pathogenicity. This variant lies in the head region of the protein and missense variants in this region are statistically more likely to be disease-associated (Walsh 2017 PMID 27532257). In summary, although additional studies are required to fully establish its clinical significance, this variant meets criteria to be classified as likely pathogenic for autosomal dominant HCM. ACMG/AMP Criteria applied: PM2_Supporting, PS4_Supporting, PP1_Strong, PP3, PM1.

GeneDx
Classification: Likely pathogenic. Last evaluated: 2018-02-16. Review status: criteria provided, single submitter. Criteria: GeneDx Variant Classification (06012015). Collection method: clinical testing. Allele origin: germline. Affected: yes.
Comment: The A199V likely pathogenic variant in the MYH7 gene has previously been reported in association with HCM (Alfares et al., 2015; Adler et al., 2016; Walsh et al., 2017). In addition, Pan et al. (2012) identified A199V in one patient with cardiomyopathy and found that this variant segregated with disease in >5 affected individuals within a single kindred, although specific segregation information was not provided. This variant was also identified in two unrelated individuals with childhood onset HCM referred for genetic testing at GeneDx. This variant is not observed in large population cohorts (Lek et al., 2016). Although the A199V variant is a conservative amino acid substitution, which is not likely to impact secondary protein structure as these residues share similar properties, in silico analyses, including protein predictors and evolutionary conservation, support a deleterious effect. In addition, this variant is located in the myosin motor domain, a region enriched with missense variants reported in association with HCM (Walsh et al., 2017; Kelly et al., 2018).

Stanford Center for Inherited Cardiovascular Disease, Stanford University
Classification: Likely pathogenic. Last evaluated: 2012-01-16. Review status: criteria provided, single submitter. Criteria: ACMG Guidelines, 2015. Collection method: provider interpretation. Allele origin: germline.

Literature cited by the submitters: PubMed 27532257 (cited by 3 submitters); PubMed 26743238 (cited by Ambry Genetics); PubMed 30297972 (cited by Ambry Genetics); PubMed 35626289 (cited by Ambry Genetics); PubMed 23074333 (cited by Laboratory for Molecular Medicine, Mass General Brigham Personalized Medicine); PubMed 25611685 (cited by Laboratory for Molecular Medicine, Mass General Brigham Personalized Medicine).

NM_000257.4(MYH7):c.596C>T (p.Ala199Val)

Gene: MYH7 (myosin heavy chain 7; minus strand). Cytogenetic location: 14q11.2.
Variant type: single nucleotide variant.
Coding change: c.596C>T on transcript NM_000257.4 (MANE Select); coding-DNA position 596, C replaced by T.
Protein change: p.Ala199Val; replaces alanine 199 with valine.
Molecular consequence: missense variant.
Genome position (GRCh38, 1-based): chr14:23,431,804, G>A on the plus strand (C>T on the coding strand, the complement: MYH7 is on the minus strand). VCF-style: chr14-23431804-G-A. GRCh37 (hg19) VCF-style: chr14-23901013-G-A.
Other names: p.A199V:GCA>GTA; short protein forms A199V.
Identifiers: ClinVar variation 177692 (VCV000177692.18), dbSNP rs727504283, ClinGen allele CA016513.